The following is an entry in ClinVar:

NM_015693.4(INTU):c.1522A>G (p.Met508Val)

Gene: INTU (inturned planar cell polarity protein; plus strand). Cytogenetic location: 4q28.1.
Variant type: single nucleotide variant.
Coding change: c.1522A>G on transcript NM_015693.4 (MANE Select); coding-DNA position 1522, A replaced by G.
Protein change: p.Met508Val; replaces methionine 508 with valine.
Molecular consequence: missense variant.
Genome position (GRCh38, 1-based): chr4:127,704,246, A>G. VCF-style: chr4-127704246-A-G. GRCh37 (hg19) VCF-style: chr4-128625401-A-G.
Other names: short protein forms M508V.
Identifiers: ClinVar variation 3668866 (VCV003668866.2).
Genomic context (GRCh38, chr4:127,704,246, plus strand): 5'-AAAAAATAAAAATATAAAATCCACTATGAATTTTTCCCCCAGTCCGAGGATTACTATGAC[A>G]TGAGGCGGCTGTATACAATTTTGGGGTCTTCTCTATTTTACAAGGTAAGTTGAAGCTTGA-3'
Protein context (NP_056508.2, residues 498-518): FAELSEDYYD[Met508Val]RRLYTILGSS

ClinVar aggregate classification (germline): Uncertain significance (1 of 4 stars; one submission).

gnomAD v4.1: 27 of 1,610,372 alleles (0.0017%); highest among the groups gnomAD compares: South Asian, 0.017%; no homozygotes.

Submission:

Labcorp Genetics (formerly Invitae), Labcorp
Classification: Uncertain significance. Last evaluated: 2024-05-23. Review status: criteria provided, single submitter. Criteria: Invitae Variant Classification Sherloc (09022015). Collection method: clinical testing. Allele origin: germline.
Comment: This sequence change replaces methionine, which is neutral and non-polar, with valine, which is neutral and non-polar, at codon 508 of the INTU protein (p.Met508Val). This variant is present in population databases (rs754110797, gnomAD 0.01%). This variant has not been reported in the literature in individuals affected with INTU-related conditions. Advanced modeling of protein sequence and biophysical properties (such as structural, functional, and spatial information, amino acid conservation, physicochemical variation, residue mobility, and thermodynamic stability) has been performed at Invitae for this missense variant, however the output from this modeling did not meet the statistical confidence thresholds required to predict the impact of this variant on INTU protein function. In summary, the available evidence is currently insufficient to determine the role of this variant in disease. Therefore, it has been classified as a Variant of Uncertain Significance.